The following is an entry in ClinVar:

NM_001164508.2(NEB):c.2549del (p.Lys850fs)

Gene: NEB (nebulin; minus strand). Cytogenetic location: 2q23.3.
Variant type: Deletion.
Coding change: c.2549del on transcript NM_001164508.2 (MANE Select); coding-DNA position 2549, one base deleted (A; older notation c.2549delA).
Protein change: p.Lys850fs; shifts the reading frame from lysine 850.
Molecular consequence: frameshift variant.
Genome position (GRCh38, 1-based): chr2:151,687,507, T deleted on the plus strand (A on the coding strand, the reverse complement: NEB is on the minus strand); the first of 4 consecutive T bases (chr2:151,687,507-151,687,510); deleting any one gives the same sequence. VCF-style (leftmost placement, unchanged base first): chr2-151687506-CT-C. GRCh37 (hg19) VCF-style: chr2-152544020-CT-C.
Other names: c.2549del, p.Lys850fs (NM_001164507.2, NM_001271208.2, NM_004543.5); short protein forms K850fs.
Identifiers: ClinVar variation 1724978 (VCV001724978.2), dbSNP rs2552266109, ClinGen allele CA2580064069.

ClinVar aggregate classification (germline): Likely pathogenic (1 of 4 stars; one submission).

Conditions:
Nemaline myopathy 2 (NEM2). Also called: Nemaline myopathy 2, autosomal recessive. Identifiers: MedGen C1850569, MONDO:0009725, OMIM 256030.

Submission:

Myriad Genetics, Inc.
Classification: Likely pathogenic for Nemaline myopathy 2. Last evaluated: 2022-03-03. Review status: criteria provided, single submitter. Criteria: Myriad Women's Health Autosomal Recessive and X-Linked Classification Criteria (2021). Collection method: clinical testing. Allele origin: unknown.
Comment: NM_001271208.1(NEB):c.2549delA(K850Rfs*6) is expected to be pathogenic in the context of NEB-related nemaline myopathy. This variant is predicted to lead to an abnormal or absent protein product due to the creation of a premature termination codon in NEB, a gene where loss-of-function variants are known to be pathogenic. Please note: this variant was assessed in the context of healthy population screening.